The following is an entry in ClinVar:

ClinVar aggregate classification (germline): Uncertain significance (1 of 4 stars; one submission).

Allele frequency attached by ClinVar (database versions not stated): gnomAD 0.00001.
gnomAD v4.1: 1 of 1,612,918 alleles (0.000062%); highest among the groups gnomAD compares: African/African-American, 0.0013%; no homozygotes.

Submission:

Labcorp Genetics (formerly Invitae), Labcorp
Classification: Uncertain significance. Last evaluated: 2024-09-30. Review status: criteria provided, single submitter. Criteria: Invitae Variant Classification Sherloc (09022015). Collection method: clinical testing. Allele origin: germline.
Comment: This sequence change replaces valine, which is neutral and non-polar, with leucine, which is neutral and non-polar, at codon 302 of the FAR1 protein (p.Val302Leu). This variant is not present in population databases (gnomAD no frequency). This variant has not been reported in the literature in individuals affected with FAR1-related conditions. ClinVar contains an entry for this variant (Variation ID: 2186238). Invitae Evidence Modeling of protein sequence and biophysical properties (such as structural, functional, and spatial information, amino acid conservation, physicochemical variation, residue mobility, and thermodynamic stability) indicates that this missense variant is not expected to disrupt FAR1 protein function with a negative predictive value of 80%. In summary, the available evidence is currently insufficient to determine the role of this variant in disease. Therefore, it has been classified as a Variant of Uncertain Significance.

NM_032228.6(FAR1):c.904G>C (p.Val302Leu)

Gene: FAR1 (fatty acyl-CoA reductase 1; plus strand). Cytogenetic location: 11p15.3.
Variant type: single nucleotide variant.
Coding change: c.904G>C on transcript NM_032228.6 (MANE Select); coding-DNA position 904, G replaced by C.
Protein change: p.Val302Leu; replaces valine 302 with leucine.
Molecular consequence: missense variant.
Genome position (GRCh38, 1-based): chr11:13,712,982, G>C. VCF-style: chr11-13712982-G-C. GRCh37 (hg19) VCF-style: chr11-13734529-G-C.
Other names: short protein forms V302L.
Identifiers: ClinVar variation 2186238 (VCV002186238.4), dbSNP rs1848516336, ClinGen allele CA379857981.